The following is an entry in ClinVar:

NM_003200.5(TCF3):c.72+42T>C

Gene: TCF3 (transcription factor 3; minus strand). Cytogenetic location: 19p13.3.
Variant type: single nucleotide variant.
Coding change: c.72+42T>C on transcript NM_003200.5 (MANE Select); 42 bases into the intron after coding-DNA position 72, T replaced by C.
Molecular consequence: intron variant.
Genome position (GRCh38, 1-based): chr19:1,650,135, A>G on the plus strand (T>C on the coding strand, the complement: TCF3 is on the minus strand). VCF-style: chr19-1650135-A-G. GRCh37 (hg19) VCF-style: chr19-1650134-A-G.
Other names: c.72+42T>C (NM_001351778.2, NM_001136139.4, NM_001351779.2).
Identifiers: ClinVar variation 1185424 (VCV001185424.5), dbSNP rs1860661, ClinGen allele CA9050596.
Genomic context (GRCh38, chr19:1,650,135, plus strand): 5'-GCTCCATCGCTGAAGTATTCAGCAAACACTCTCCCCTGAAAACCTTCCCGTGAACTGTGG[A>G]GGCAAAGGGGTGTCGGGGGCTGGGCGGGGGTCCTGGCTCACCATGCTGAAGTCCAGGAGG-3'

ClinVar aggregate classification (germline): Benign. Review status: criteria provided, multiple submitters, no conflicts (2 of 4 stars). 3 submissions from 3 submitters: Benign (3). Last evaluated 2024-01-24.

Conditions:
Agammaglobulinemia 8, autosomal dominant (AGM8A). Also called: AGAMMAGLOBULINEMIA 8A, AUTOSOMAL DOMINANT; AGAMMAGLOBULINEMIA, AUTOSOMAL DOMINANT, DUE TO TCF3 DEFECT. Identifiers: MedGen C4310786, MONDO:0014840, OMIM 616941.

Allele frequency attached by ClinVar (database versions not stated): ESP Exome Variant Server 0.45640; gnomAD 0.56456 and 0.57295; TOPMed 0.59312; 1000 Genomes Project 30x 0.73657; ExAC 0.57244; 1000 Genomes Project 0.74042.
gnomAD v4.1: 714,830 of 1,515,796 alleles (47%); highest among the groups gnomAD compares: East Asian, 90%; 183,382 homozygotes.

Submissions (3):

Unidad de Genómica Garrahan, Hospital de Pediatría Garrahan
Classification: Benign. Last evaluated: 2024-01-24. Review status: criteria provided, single submitter. Criteria: ACMG Guidelines, 2015. Collection method: clinical testing. Allele origin: germline. Affected: no. Observed: 76 variant alleles.
Comment: This variant is classified as Benign based on local population frequency. This variant was detected in 80% of patients studied by a panel of primary immunodeficiencies. Number of patients: 76. Only high quality variants are reported.

Genome-Nilou Lab
Classification: Benign for Agammaglobulinemia 8, autosomal dominant. Last evaluated: 2021-07-14. Review status: criteria provided, single submitter. Criteria: ACMG Guidelines, 2015. Collection method: clinical testing. Allele origin: germline. Affected: no.

Breakthrough Genomics
Classification: Benign. Review status: criteria provided, single submitter. Criteria: ACMG Guidelines, 2015. Collection method: not provided. Allele origin: germline. Inheritance: Autosomal recessive inheritance. Affected: yes.